The following is an entry in ClinVar:

ClinVar aggregate classification (germline): Uncertain significance (1 of 4 stars; one submission).

gnomAD v4.1: 2 of 1,498,944 alleles (0.00013%); highest among the groups gnomAD compares: Non-Finnish European, 0.00018%; no homozygotes.

Submission:

Labcorp Genetics (formerly Invitae), Labcorp
Classification: Uncertain significance. Last evaluated: 2022-07-16. Review status: criteria provided, single submitter. Criteria: Invitae Variant Classification Sherloc (09022015). Collection method: clinical testing. Allele origin: germline.
Comment: Algorithms developed to predict the effect of missense changes on protein structure and function are either unavailable or do not agree on the potential impact of this missense change (SIFT: "Tolerated"; PolyPhen-2: "Not Available"; Align-GVGD: "Class C0"). This variant has not been reported in the literature in individuals affected with IRF2BP2-related conditions. This variant is not present in population databases (gnomAD no frequency). This sequence change replaces alanine, which is neutral and non-polar, with glycine, which is neutral and non-polar, at codon 3 of the IRF2BP2 protein (p.Ala3Gly). In summary, the available evidence is currently insufficient to determine the role of this variant in disease. Therefore, it has been classified as a Variant of Uncertain Significance.

NM_182972.3(IRF2BP2):c.8C>G (p.Ala3Gly)

Gene: IRF2BP2 (interferon regulatory factor 2 binding protein 2; minus strand). Cytogenetic location: 1q42.3.
Variant type: single nucleotide variant.
Coding change: c.8C>G on transcript NM_182972.3 (MANE Select); coding-DNA position 8, C replaced by G.
Protein change: p.Ala3Gly; replaces alanine 3 with glycine.
Molecular consequence: missense variant.
Genome position (GRCh38, 1-based): chr1:234,609,487, G>C on the plus strand (C>G on the coding strand, the complement: IRF2BP2 is on the minus strand). VCF-style: chr1-234609487-G-C. GRCh37 (hg19) VCF-style: chr1-234745233-G-C.
Other names: c.8C>G, p.Ala3Gly (NM_001077397.1); short protein forms A3G.
Identifiers: ClinVar variation 1950901 (VCV001950901.5), dbSNP rs2528525171, ClinGen allele CA345312193.
Genomic context (GRCh38, chr1:234,609,487, plus strand): 5'-CGGGGCAGGTCACACAGGTAGCACGACTGCCGCCGGGACGCGGCCGCCACCGCCACCGCC[G>C]CGGCCATGTCCGAGGAGCCCGCGACGCCGGAGGAGGAGGCGGAGGAGGAGGAGGGGGCGC-3'
Protein context (NP_892017.2, residues 1-13): MA[Ala3Gly]AVAVAAASRR